The following is an entry in ClinVar:

NM_001352027.3(PHF21A):c.1953C>T (p.Thr651=)

Gene: PHF21A (PHD finger protein 21A; minus strand). Cytogenetic location: 11p11.2.
Variant type: single nucleotide variant.
Coding change: c.1953C>T on transcript NM_001352027.3 (MANE Select); coding-DNA position 1953, C replaced by T.
Protein change: p.Thr651=; no amino-acid change (threonine 651 retained).
Molecular consequence: synonymous variant. On other transcripts: non-coding transcript variant (2).
Genome position (GRCh38, 1-based): chr11:45,934,061, G>A on the plus strand (C>T on the coding strand, the complement: PHF21A is on the minus strand). VCF-style: chr11-45934061-G-A. GRCh37 (hg19) VCF-style: chr11-45955612-G-A.
Other names: c.1950C>T, p.Thr650= (NM_001101802.3); c.1953C>T, p.Thr651= (NM_001352025.3, NM_001352026.3); c.1812C>T, p.Thr604= (NM_001352028.1, NM_001352029.1, NM_016621.5); c.1809C>T, p.Thr603= (NM_001352030.3, NM_001352031.3, NM_001352032.3).
Identifiers: ClinVar variation 3257485 (VCV003257485.17).

ClinVar aggregate classification (germline): Likely benign (1 of 4 stars; one submission).

Submission:

CeGaT Center for Human Genetics Tuebingen
Classification: Likely benign. Last evaluated: 2024-07-01. Review status: criteria provided, single submitter. Criteria: CeGaT Center For Human Genetics Tuebingen Variant Classification Criteria Version 2. Collection method: clinical testing. Allele origin: germline. Affected: yes. Observed: 1 variant allele.
Comment: PHF21A: BP4, BP7